The following is an entry in ClinVar:

ClinVar aggregate classification (germline): Uncertain significance (1 of 4 stars; one submission).

Allele frequency attached by ClinVar (database versions not stated): gnomAD 0.00001; gnomAD exomes 0.00002; ExAC 0.00009.

Submission:

Women's Health and Genetics/Laboratory Corporation of America, LabCorp
Classification: Uncertain significance. Last evaluated: 2022-07-12. Review status: criteria provided, single submitter. Criteria: LabCorp Variant Classification Summary - May 2015. Collection method: clinical testing. Allele origin: germline.
Comment: Variant summary: SLC4A11 c.1820T>G (p.Ile607Ser) results in a non-conservative amino acid change located in the bicarbonate transporter-like, transmembrane domain (IPR011531) of the encoded protein sequence. Four of five in-silico tools predict a damaging effect of the variant on protein function. The variant allele was found at a frequency of 4.8e-05 in 250760 control chromosomes (gnomAD). This frequency is not significantly higher than expected for a pathogenic variant in SLC4A11 causing Corneal Dystrophy And Perceptive Deafness (4.8e-05 vs 0.0011), allowing no conclusion about variant significance. To our knowledge, no occurrence of c.1820T>G in individuals affected with Corneal Dystrophy And Perceptive Deafness and no experimental evidence demonstrating its impact on protein function have been reported. No clinical diagnostic laboratories have submitted clinical-significance assessments for this variant to ClinVar after 2014. Based on the evidence outlined above, the variant was classified as uncertain significance.

NM_001174089.2(SLC4A11):c.1772T>G (p.Ile591Ser)

Gene: SLC4A11 (solute carrier family 4 member 11; minus strand). Cytogenetic location: 20p13.
Variant type: single nucleotide variant.
Coding change: c.1772T>G on transcript NM_001174089.2 (MANE Select); coding-DNA position 1772, T replaced by G.
Protein change: p.Ile591Ser; replaces isoleucine 591 with serine.
Molecular consequence: missense variant. On other transcripts: non-coding transcript variant (3).
Genome position (GRCh38, 1-based): chr20:3,229,423, A>C on the plus strand (T>G on the coding strand, the complement: SLC4A11 is on the minus strand). VCF-style: chr20-3229423-A-C. GRCh37 (hg19) VCF-style: chr20-3210069-A-C.
Other names: c.1901T>G, p.Ile634Ser (NM_001174090.2); c.1658T>G, p.Ile553Ser (NM_001363745.2); c.1715T>G, p.Ile572Ser (NM_001400277.1, NM_001400278.1, NM_001400279.1); c.1787T>G, p.Ile596Ser (NM_001400280.1); c.1820T>G, p.Ile607Ser (NM_032034.4); short protein forms I591S, I596S, I572S, I607S, I553S, I634S.
Identifiers: ClinVar variation 1704602 (VCV001704602.1), dbSNP rs748984296, ClinGen allele CA9741729.